The following is an entry in ClinVar:

NC_000015.9:g.(?_28171253)_(28327020_?)del

Gene: OCA2 (OCA2 melanosomal transmembrane protein; minus strand). Cytogenetic location: 15q13.1.
Variant type: Deletion.
Identifiers: ClinVar variation 3243844 (VCV003243844.1).

ClinVar aggregate classification (germline): Pathogenic (1 of 4 stars; one submission).

Submission:

Labcorp Genetics (formerly Invitae), Labcorp
Classification: Pathogenic. Last evaluated: 2023-06-09. Review status: criteria provided, single submitter. Criteria: Invitae Variant Classification Sherloc (09022015). Collection method: clinical testing. Allele origin: unknown.
Comment: For these reasons, this variant has been classified as Pathogenic. This variant is also known as a 184kb deletion. A similar copy number variant has been observed in individual(s) with oculocutaneous albinism (PMID: 34246199). This variant is a gross deletion of the genomic region encompassing exon(s) 2-19 of the OCA2 gene, which includes the initiator codon. This deletion extends beyond the assayed region for this gene and therefore may encompass additional genes. It is expected to result in an absent or disrupted protein product. Loss-of-function variants in OCA2 are known to be pathogenic (PMID: 19865097, 21541274).

Literature cited by the submitters: PubMed 34246199; PubMed 19865097; PubMed 21541274.